The following is an entry in ClinVar:

NM_031942.5(CDCA7):c.877G>A (p.Val293Met)

Gene: CDCA7 (cell division cycle associated 7; plus strand). Cytogenetic location: 2q31.1.
Variant type: single nucleotide variant.
Coding change: c.877G>A on transcript NM_031942.5 (MANE Select); coding-DNA position 877, G replaced by A.
Protein change: p.Val293Met; replaces valine 293 with methionine.
Molecular consequence: missense variant.
Genome position (GRCh38, 1-based): chr2:173,364,972, G>A. VCF-style: chr2-173364972-G-A. GRCh37 (hg19) VCF-style: chr2-174229700-G-A.
Other names: c.640G>A, p.Val214Met (NM_145810.3); short protein forms V293M, V214M.
Identifiers: ClinVar variation 2142547 (VCV002142547.2), dbSNP rs765939337, ClinGen allele CA1971357.

ClinVar aggregate classification (germline): Conflicting classifications of pathogenicity. Review status: criteria provided, conflicting classifications (1 of 4 stars). 2 submissions from 2 submitters: Uncertain significance (1); Likely benign (1). Last evaluated 2024-11-21.

Allele frequency attached by ClinVar (database versions not stated): gnomAD 0.00002; ExAC 0.00008.

Submissions (2):

Blueprint Genetics
Classification: Likely benign. Last evaluated: 2024-11-21. Review status: criteria provided, single submitter. Criteria: ACMG Guidelines, 2015. Collection method: clinical testing. Allele origin: germline.

Labcorp Genetics (formerly Invitae), Labcorp
Classification: Uncertain significance. Last evaluated: 2022-07-28. Review status: criteria provided, single submitter. Criteria: Invitae Variant Classification Sherloc (09022015). Collection method: clinical testing. Allele origin: germline.
Comment: This sequence change replaces valine, which is neutral and non-polar, with methionine, which is neutral and non-polar, at codon 293 of the CDCA7 protein (p.Val293Met). This variant is present in population databases (rs765939337, gnomAD 0.04%). This variant has not been reported in the literature in individuals affected with CDCA7-related conditions. Algorithms developed to predict the effect of missense changes on protein structure and function output the following: SIFT: "Tolerated"; PolyPhen-2: "Benign"; Align-GVGD: "Class C0". The methionine amino acid residue is found in multiple mammalian species, which suggests that this missense change does not adversely affect protein function. In summary, the available evidence is currently insufficient to determine the role of this variant in disease. Therefore, it has been classified as a Variant of Uncertain Significance.